The following is an entry in ClinVar:

ClinVar aggregate classification (germline): Conflicting classifications of pathogenicity. Review status: criteria provided, conflicting classifications (1 of 4 stars). 4 submissions from 4 submitters: Uncertain significance (2); Likely benign (2). Last evaluated 2025-11-08.

Allele frequency attached by ClinVar (database versions not stated): gnomAD 0.00006; TOPMed 0.00009; ExAC 0.00020; gnomAD exomes 0.00020 and 0.00039; ESP Exome Variant Server 0.00031.
gnomAD v4.1: 588 of 1,612,152 alleles (0.036%); highest among the groups gnomAD compares: Non-Finnish European, 0.045%; no homozygotes.

Submissions (4):

Labcorp Genetics (formerly Invitae), Labcorp
Classification: Likely benign. Last evaluated: 2025-11-08. Review status: criteria provided, single submitter. Criteria: Invitae Variant Classification Sherloc (09022015). Collection method: clinical testing. Allele origin: germline.

CeGaT Center for Human Genetics Tuebingen
Classification: Uncertain significance. Last evaluated: 2025-06-01. Review status: criteria provided, single submitter. Criteria: CeGaT Center For Human Genetics Tuebingen Variant Classification Criteria Version 2. Collection method: clinical testing. Allele origin: germline. Affected: yes. Observed: 1 variant allele.
Comment: GIPC3: PM2, BP4

Blueprint Genetics
Classification: Uncertain significance. Last evaluated: 2024-03-12. Review status: criteria provided, single submitter. Criteria: ACMG Guidelines, 2015. Collection method: clinical testing. Allele origin: germline.

GeneDx
Classification: Likely benign. Last evaluated: 2020-06-19. Review status: criteria provided, single submitter. Criteria: GeneDx Variant Classification Process June 2021. Collection method: clinical testing. Allele origin: germline. Affected: yes.

NM_133261.3(GIPC3):c.788-4G>A

Gene: GIPC3 (GIPC PDZ domain containing family member 3; plus strand). Cytogenetic location: 19p13.3.
Variant type: single nucleotide variant.
Coding change: c.788-4G>A on transcript NM_133261.3 (MANE Select); 4 bases into the intron before coding-DNA position 788, G replaced by A.
Molecular consequence: intron variant.
Genome position (GRCh38, 1-based): chr19:3,590,035, G>A. VCF-style: chr19-3590035-G-A. GRCh37 (hg19) VCF-style: chr19-3590033-G-A.
Identifiers: ClinVar variation 513298 (VCV000513298.17), dbSNP rs372583605, ClinGen allele CA9080594.